The following is an entry in ClinVar:

ClinVar aggregate classification (germline): Pathogenic (1 of 4 stars; one submission).

Conditions:
Primary ciliary dyskinesia. Also called: Ciliary dyskinesia. Identifiers: Orphanet 244, MedGen C0008780, MONDO:0016575, HP:0012265.

Submission:

Labcorp Genetics (formerly Invitae), Labcorp
Classification: Pathogenic for Primary ciliary dyskinesia. Last evaluated: 2023-08-10. Review status: criteria provided, single submitter. Criteria: Invitae Variant Classification Sherloc (09022015). Collection method: clinical testing. Allele origin: germline.
Comment: This sequence change creates a premature translational stop signal (p.Ala527Profs*16) in the CCDC40 gene. It is expected to result in an absent or disrupted protein product. Loss-of-function variants in CCDC40 are known to be pathogenic (PMID: 21131974, 22693285, 23255504). This variant is not present in population databases (gnomAD no frequency). This variant has not been reported in the literature in individuals affected with CCDC40-related conditions. ClinVar contains an entry for this variant (Variation ID: 1071463). For these reasons, this variant has been classified as Pathogenic.

Literature cited by the submitters: PubMed 21131974; PubMed 22693285; PubMed 23255504.

NM_017950.4(CCDC40):c.1579del (p.Ala527fs)

Gene: CCDC40 (coiled-coil domain 40 molecular ruler complex subunit; plus strand). Cytogenetic location: 17q25.3.
Variant type: Deletion.
Coding change: c.1579del on transcript NM_017950.4 (MANE Select); coding-DNA position 1579, one base deleted (G; older notation c.1579delG).
Protein change: p.Ala527fs; shifts the reading frame from alanine 527.
Molecular consequence: frameshift variant.
Genome position (GRCh38, 1-based): chr17:80,081,562, G deleted. VCF-style (leftmost placement, unchanged base first): chr17-80081561-AG-A. GRCh37 (hg19) VCF-style: chr17-78055360-AG-A.
Other names: c.1579del, p.Ala527fs (NM_001243342.2); short protein forms A527fs.
Identifiers: ClinVar variation 1071463 (VCV001071463.7), dbSNP rs2143733843, ClinGen allele CA2499224995.